The following is an entry in ClinVar:

NM_002816.5(PSMD12):c.51G>A (p.Glu17=)

Gene: PSMD12 (proteasome 26S subunit, non-ATPase 12; minus strand). Cytogenetic location: 17q24.2.
Variant type: single nucleotide variant.
Coding change: c.51G>A on transcript NM_002816.5 (MANE Select); coding-DNA position 51, G replaced by A.
Protein change: p.Glu17=; no amino-acid change (glutamic acid 17 retained).
Molecular consequence: synonymous variant. On other transcripts: 5 prime UTR variant (1).
Genome position (GRCh38, 1-based): chr17:67,366,469, C>T on the plus strand (G>A on the coding strand, the complement: PSMD12 is on the minus strand). VCF-style: chr17-67366469-C-T. GRCh37 (hg19) VCF-style: chr17-65362585-C-T.
Other names: c.-411G>A (NM_001316341.2); c.51G>A, p.Glu17= (NM_174871.4).
Identifiers: ClinVar variation 5038806 (VCV005038806.1).

ClinVar aggregate classification (germline): Likely benign (1 of 4 stars; one submission).

gnomAD v4.1: 253 of 1,611,872 alleles (0.016%); highest among the groups gnomAD compares: Non-Finnish European, 0.018%; no homozygotes.

Submission:

CeGaT Center for Human Genetics Tuebingen
Classification: Likely benign. Last evaluated: 2026-07-01. Review status: criteria provided, single submitter. Criteria: CeGaT Center For Human Genetics Tuebingen Variant Classification Criteria Version 2. Collection method: clinical testing. Allele origin: germline. Affected: yes. Observed: 1 variant allele.
Comment: PSMD12: BP4, BP7